The following is an entry in ClinVar:

NM_002397.5(MEF2C):c.446T>C (p.Val149Ala)

Gene: MEF2C (myocyte enhancer factor 2C; minus strand). Cytogenetic location: 5q14.3.
Variant type: single nucleotide variant.
Coding change: c.446T>C on transcript NM_002397.5 (MANE Select); coding-DNA position 446, T replaced by C.
Protein change: p.Val149Ala; replaces valine 149 with alanine.
Molecular consequence: missense variant.
Genome position (GRCh38, 1-based): chr5:88,752,000, A>G on the plus strand (T>C on the coding strand, the complement: MEF2C is on the minus strand). VCF-style: chr5-88752000-A-G. GRCh37 (hg19) VCF-style: chr5-88047817-A-G.
Other names: c.446T>C, p.Val149Ala (NM_001364339.2, NM_001364340.2, NM_001364341.2 and 18 more transcripts); c.440T>C, p.Val147Ala (NM_001364343.2, NM_001131005.2, NM_001364352.2); c.302T>C, p.Val101Ala (NM_001364344.2, NM_001193348.1, NM_001193349.3 and 3 more transcripts); c.500T>C, p.Val167Ala (NM_001193347.1, NM_001364338.2); c.68T>C, p.Val23Ala (NM_001364353.2, NM_001364356.2); c.20T>C, p.Val7Ala (NM_001364357.2); short protein forms V101A, V167A, V149A, V23A, V147A, V7A.
Identifiers: ClinVar variation 1373123 (VCV001373123.6), dbSNP rs1057349061, ClinGen allele CA360423967.

ClinVar aggregate classification (germline): Uncertain significance (1 of 4 stars; one submission).

Conditions:
Neurodevelopmental disorder with hypotonia, stereotypic hand movements, and impaired language. Also called: Intellectual disability, autosomal dominant 20. Identifiers: Orphanet 228384, Orphanet 664410, MedGen C3150700, MONDO:0013266, OMIM 613443.

Allele frequency attached by ClinVar (database versions not stated): gnomAD exomes below 0.00001; TOPMed below 0.00001.
gnomAD v4.1: 1 of 1,613,102 alleles (0.000062%); highest among the groups gnomAD compares: African/African-American, 0.0013%; no homozygotes.

Submission:

Labcorp Genetics (formerly Invitae), Labcorp
Classification: Uncertain significance for Neurodevelopmental disorder with hypotonia, stereotypic hand movements, and impaired language. Last evaluated: 2021-08-07. Review status: criteria provided, single submitter. Criteria: Invitae Variant Classification Sherloc (09022015). Collection method: clinical testing. Allele origin: germline.
Comment: This sequence change replaces valine with alanine at codon 149 of the MEF2C protein (p.Val149Ala). The valine residue is moderately conserved and there is a small physicochemical difference between valine and alanine. This variant is not present in population databases (ExAC no frequency). This variant has not been reported in the literature in individuals affected with MEF2C-related conditions. Algorithms developed to predict the effect of missense changes on protein structure and function are either unavailable or do not agree on the potential impact of this missense change (SIFT: "Deleterious"; PolyPhen-2: "Possibly Damaging"; Align-GVGD: "Class C0"). In summary, the available evidence is currently insufficient to determine the role of this variant in disease. Therefore, it has been classified as a Variant of Uncertain Significance.